The following is an entry in ClinVar:

ClinVar aggregate classification (germline): Uncertain significance (1 of 4 stars; one submission).

Submission:

Labcorp Genetics (formerly Invitae), Labcorp
Classification: Uncertain significance. Last evaluated: 2024-10-01. Review status: criteria provided, single submitter. Criteria: Invitae Variant Classification Sherloc (09022015). Collection method: clinical testing. Allele origin: germline.
Comment: This sequence change creates a premature translational stop signal (p.Lys31Asnfs*6) in the SAMD9 gene. While this is not anticipated to result in nonsense mediated decay, it is expected to disrupt the last 1559 amino acid(s) of the SAMD9 protein. This variant is present in population databases (rs777735384, gnomAD 0.0009%). This variant has not been reported in the literature in individuals affected with SAMD9-related conditions. Experimental studies and prediction algorithms are not available or were not evaluated, and the functional significance of this variant is currently unknown. In summary, the available evidence is currently insufficient to determine the role of this variant in disease. Therefore, it has been classified as a Variant of Uncertain Significance.

NM_017654.4(SAMD9):c.93del (p.Lys31fs)

Gene: SAMD9 (sterile alpha motif domain containing 9; minus strand). Cytogenetic location: 7q21.2.
Variant type: Deletion.
Coding change: c.93del on transcript NM_017654.4 (MANE Select); coding-DNA position 93, one base deleted (A; older notation c.93delA).
Protein change: p.Lys31fs; shifts the reading frame from lysine 31.
Molecular consequence: frameshift variant.
Genome position (GRCh38, 1-based): chr7:93,106,005, T deleted on the plus strand (A on the coding strand, the reverse complement: SAMD9 is on the minus strand); the first of 5 consecutive T bases (chr7:93,106,005-93,106,009); deleting any one gives the same sequence. VCF-style (leftmost placement, unchanged base first): chr7-93106004-GT-G. GRCh37 (hg19) VCF-style: chr7-92735317-GT-G.
Other names: c.93del, p.Lys31fs (NM_001193307.2); short protein forms K31fs.
Identifiers: ClinVar variation 3001631 (VCV003001631.3), dbSNP rs777735384, ClinGen allele CA4343218.
Genomic context (GRCh38, chr7:93,106,004, plus strand): 5'-CTTTTTTTAACCACTTCAAGACTGCTCCATTCACGTCTTGTTCAGTCAAAATTTCCCTGT[GT>G]TTTTGGTCAATCTTATGACTTTCTAACCACTGATTTACATCCTCTTTTGTCCAATCATCT-3'